The following is an entry in ClinVar:

ClinVar aggregate classification (germline): Pathogenic. Review status: reviewed by expert panel (3 of 4 stars). 23 submissions from 23 submitters: Pathogenic (1). 22 of the submissions do not count toward it. Last evaluated 2016-12-15.

Conditions:
MYH7-related disorder. Also called: MYH7-related disorders; MYH7-related condition; MYH7-related disease.
Cardiovascular phenotype. Identifiers: MedGen CN230736.
Myopathy, myosin storage, autosomal recessive (CMYO7B). Also called: CONGENITAL MYOPATHY 7B, MYOSIN STORAGE, AUTOSOMAL RECESSIVE. Identifiers: Orphanet 636970, MedGen C1850709, MONDO:0009708, OMIM 255160.
Hypertrophic cardiomyopathy 1 (CMH1). Also called: Familial hypertrophic cardiomyopathy 1; MYH7-Related Familial Hypertrophic Cardiomyopathy. Identifiers: MedGen C3495498, MONDO:0008647, OMIM 192600.
MYH7-related skeletal myopathy. Also called: MYOPATHY, DISTAL, EARLY-ONSET, AUTOSOMAL DOMINANT; MYOPATHY, LATE DISTAL HEREDITARY; Myopathy, distal, 1; Laing early-onset distal myopathy; Laing distal myopathy. Identifiers: Orphanet 59135, MedGen C4552004, MONDO:0008050, OMIM 160500.
Myosin storage myopathy (CMYO7A). Also called: Scapuloperoneal myopathy, MYH7-related; MYOPATHY, HYALINE BODY, AUTOSOMAL DOMINANT; MYOPATHY WITH LYSIS OF TYPE I MYOFIBRILS; SCAPULOPERONEAL MUSCULAR DYSTROPHY; SCAPULOPERONEAL SYNDROME, MYOPATHIC TYPE; MYH7-related late-onset scapuloperoneal muscular dystrophy. Identifiers: Orphanet 437572, Orphanet 636965, MedGen C1842160, MONDO:0008409, OMIM 608358.
Dilated cardiomyopathy 1S (CMD1S). Identifiers: Orphanet 154, Orphanet 54260, MedGen C1834481, MONDO:0013262, OMIM 613426.
Cardiomyopathy (CMYO). Also called: Cardiomyopathies. Identifiers: Orphanet 167848, MedGen C0878544, MONDO:0004994, HP:0001638. Inheritance: Various modes of inheritance.
Hypertrophic cardiomyopathy. Also called: HYPERTROPHIC MYOCARDIOPATHY. Identifiers: Orphanet 217569, MedGen C0007194, MeSH D002312, MONDO:0005045, HP:0001639.

Submissions 1 to 7 of 23:

ClinGen Cardiomyopathy Variant Curation Expert Panel
Classification: Pathogenic for Hypertrophic cardiomyopathy. Last evaluated: 2016-12-15. Review status: reviewed by expert panel. Criteria: ClinGen CMP ACMG Specifications v1. Collection method: curation. Allele origin: germline. Inheritance: Autosomal dominant inheritance.
Comment: The c.2156G>A (p.Arg719Gln) variant in MYH7 has been reported in >30 individuals with hypertrophic cardiomyopathy (PS4; PMID:7848441; PMID:16199542; PMID:15358028; PMID:18411228; Partners LMM ClinVar SCV000059421.5; AGCMC Sydney ClinVar SCV000212634.1; SHaRe consortium, PMID: 30297972). This variant segregated with disease in 7 affected individuals (PP1_Strong; PMID:7848441; Partners LMM ClinVar SCV000059421.5). This variant was absent from large population studies (PM2). This variant lies in the head region of the protein (aa 181-937) and missense variants in this region are statistically more likely to be disease-associated (PM1; PMID:27532257). Computational prediction tools and conservation analysis suggest that this variant may impact the protein (PP3). A different pathogenic missense variant has been previously identified at this codon which may indicate that this residue is critical to the function of the protein (PM5; c.2155C>T p.Arg719Trp ClinVar Variation ID 14104). In summary, this variant meets criteria to be classified as pathogenic for hypertrophic cardiomyopathy in an autosomal dominant manner. MYH7-specific ACMG/AMP criteria applied (PMID:29300372): PS4; PP1_ Strong; PM1; PM2; PM5; PP3

Clinical Genetics, Tokyo Medical University
Classification: Pathogenic for Hypertrophic cardiomyopathy 1. Last evaluated: 2026-08-04. Review status: criteria provided, single submitter. Criteria: ACMG Guidelines, 2015. Collection method: clinical testing. Allele origin: germline. Inheritance: Autosomal dominant inheritance. Affected: yes. Observed: 1 variant allele, 1 heterozygote. Not counted in ClinVar's aggregate classification.
Comment: MYH7 c.2156G>A (p.Arg719Gln) was classified as Pathogenic based on the 2015 ACMG/AMP guidelines (PMID:25741868). PS1: Same amino acid change as a previously established pathogenic variant. PM1: Located in a mutational hot spot in the myosin head domain. PM2: Absent from population databases (gnomAD). PP3: Multiple in silico tools predict damaging effect (SIFT, MutationTaster, FATHMM, CADD phred 23.3). PP4: Patient phenotype (dilated phase of HCM, LVEDD 68mm, EF 25%) is highly specific for MYH7-related cardiomyopathy with family segregation confirmed in mother and daughter.

Labcorp Genetics (formerly Invitae), Labcorp
Classification: Pathogenic for Hypertrophic cardiomyopathy. Last evaluated: 2025-11-03. Review status: criteria provided, single submitter. Criteria: Invitae Variant Classification Sherloc (09022015). Collection method: clinical testing. Allele origin: germline. Not counted in ClinVar's aggregate classification.
Comment: This sequence change replaces arginine, which is basic and polar, with glutamine, which is neutral and polar, at codon 719 of the MYH7 protein (p.Arg719Gln). This variant is not present in population databases (gnomAD no frequency). This missense change has been observed in individuals with hypertrophic cardiomyopathy (HCM) (PMID: 7848441, 15358028, 15519027, 15858117, 16199542, 18409188, 21896538, 23140321, 23711808). It has also been observed to segregate with disease in related individuals. ClinVar contains an entry for this variant (Variation ID: 14107). Invitae Evidence Modeling of protein sequence and biophysical properties (such as structural, functional, and spatial information, amino acid conservation, physicochemical variation, residue mobility, and thermodynamic stability) indicates that this missense variant is expected to disrupt MYH7 protein function with a positive predictive value of 95%. Experimental studies have shown that this missense change affects MYH7 function (PMID: 10882745). This variant disrupts the p.Arg719 amino acid residue in MYH7. Other variant(s) that disrupt this residue have been determined to be pathogenic (PMID: 8282798, 20811150, 21310275). This suggests that this residue is clinically significant, and that variants that disrupt this residue are likely to be disease-causing. For these reasons, this variant has been classified as Pathogenic.

3billion
Classification: Pathogenic for Hypertrophic cardiomyopathy 1. Last evaluated: 2025-04-02. Review status: criteria provided, single submitter. Criteria: ACMG Guidelines, 2015. Collection method: clinical testing. Allele origin: germline. Affected: yes. Not counted in ClinVar's aggregate classification.
Comment: The variant is not observed in the gnomAD v4.1.0 dataset. Predicted Consequence/Location: The variant is located in a mutational hot spot and/or well-established functional domain in which established pathogenic variants have been reported (PMID: 29300372). In silico tool predictions suggest damaging effect of the variant on gene or gene product [REVEL: 0.69 (>=0.6, sensitivity 0.68 and specificity 0.92)]. The same nucleotide change resulting in the same amino acid change has been previously reported as pathogenic/likely pathogenic with strong evidence (ClinVar ID: VCV000014107 / PMID: 7848441 / 3billion dataset). The variant has been observed in multiple (>3) similarly affected unrelated individuals (PMID: 15358028, 16199542, 18411228, 30297972, 7848441). The variant has been reported to co-segregate with the disease in at least 7 similarly affected relatives/individuals in at least two unrelated families (PMID: 7848441). Different missense changes at the same codon (p.Arg719Leu, p.Arg719Pro, p.Arg719Trp) have been reported as pathogenic/likely pathogenic with strong evidence (ClinVar ID: VCV000014104, VCV000217460 / PMID: 14563299, 24793961, 8282798 / 3billion dataset). Therefore, this variant is classified as Pathogenic according to the recommendation of ACMG/AMP guideline.

Ambry Genetics
Classification: Pathogenic for Cardiovascular phenotype. Last evaluated: 2024-01-03. Review status: criteria provided, single submitter. Criteria: Ambry Variant Classification Scheme 2023. Collection method: clinical testing. Allele origin: germline. Not counted in ClinVar's aggregate classification.
Comment: The p.R719Q pathogenic mutation (also known as c.2156G>A), located in coding exon 17 of the MYH7 gene, results from a G to A substitution at nucleotide position 2156. The arginine at codon 719 is replaced by glutamine, an amino acid with highly similar properties, and is located in the head domain. This alteration was reported to co-segregate with hypertrophic cardiomyopathy (HCM) in one family, and was reported as an apparent de novo occurrence in a proband with HCM (Consevage MW et al. Hum Mol Genet. 1994;3(6):1025-6; Garcia-Pavia P et al. Eur J Heart Fail. 2011;13(11):1193-201). This mutation has been reported in multiple HCM cohorts in unrelated individuals with HCM, some with early-onset disease or a family history of HCM and sudden death (Moolman-Smook JC et al. Am. J. Hum. Genet., 1999 Nov;65:1308-20; Huang X et al. Clin Chim Acta. 2001;310(2):131-9; Kapplinger JD et al. J Cardiovasc Transl Res. 2014 Apr;7(3):347-61; Homburger JR et al. Proc. Natl. Acad. Sci. U.S.A., 2016 06;113:6701-6; Rubattu S et al. Int J Mol Sci, 2016 Jul;17; Walsh R et al. Genet. Med., 2017 02;19:192-203). This variant is also considered to be rare based on population cohorts in the Genome Aggregation Database (gnomAD). This amino acid position is well conserved in available vertebrate species. In addition, this alteration is predicted to be deleterious by in silico analysis. Based on the supporting evidence, this alteration is interpreted as a disease-causing mutation.

Molecular Diagnostic Laboratory for Inherited Cardiovascular Disease, Montreal Heart Institute
Classification: Pathogenic for Cardiovascular phenotype. Last evaluated: 2023-11-10. Review status: criteria provided, single submitter. Criteria: ACMG Guidelines, 2015. Collection method: clinical testing. Allele origin: germline. Affected: yes. Not counted in ClinVar's aggregate classification.
Comment: PS4, PP1_strong, PM1, PM2, PM5, PM6, PP3

Laboratory for Molecular Medicine, Mass General Brigham Personalized Medicine
Classification: Pathogenic for Hypertrophic cardiomyopathy. Last evaluated: 2023-07-21. Review status: criteria provided, single submitter. Criteria: ACMG Guidelines, 2015. Collection method: clinical testing. Allele origin: germline. Inheritance: Autosomal dominant inheritance. Not counted in ClinVar's aggregate classification.
Comment: proposed classification - variant undergoing re-assessment, contact laboratory

NM_000257.4(MYH7):c.2156G>A (p.Arg719Gln)

Gene: MYH7 (myosin heavy chain 7; minus strand). Cytogenetic location: 14q11.2.
Variant type: single nucleotide variant.
Coding change: c.2156G>A on transcript NM_000257.4 (MANE Select); coding-DNA position 2156, G replaced by A.
Protein change: p.Arg719Gln; replaces arginine 719 with glutamine.
Molecular consequence: missense variant.
Genome position (GRCh38, 1-based): chr14:23,425,970, C>T on the plus strand (G>A on the coding strand, the complement: MYH7 is on the minus strand). VCF-style: chr14-23425970-C-T. GRCh37 (hg19) VCF-style: chr14-23895179-C-T.
Other names: p.R719Q:CGG>CAG; NM_000257.3(MYH7):c.2156G>A; short protein forms R719Q.
Identifiers: ClinVar variation 14107 (VCV000014107.45), dbSNP rs121913641, ClinGen allele CA011785.
Genomic context (GRCh38, chr14:23,425,970, plus strand): 5'-CAGGGCAGCCTGGCTCCCCCTGTTCTATGAGCTCTGGTGCACCCTCATACCCACCTCTGC[C>T]GGAAGTCCCCGTAGAGGATGCGGTTGGGGAAGCCTTTCCTGCAGATGCGGATGCCCTCCA-3'
Protein context (NP_000248.2, residues 709-729): FPNRILYGDF[Arg719Gln]QRYRILNPAA